The following is an entry in ClinVar:

ClinVar aggregate classification (germline): Pathogenic (1 of 4 stars; one submission).

Conditions:
Deafness-lymphedema-leukemia syndrome. Also called: Emberger syndrome; Lymphedema, primary, with myelodysplasia. Identifiers: Orphanet 3226, MedGen C3279664, MONDO:0013540, OMIM 614038.
GATA2 deficiency with susceptibility to MDS/AML. Identifiers: MedGen CN300066, MONDO:0042982.

Submission:

Molecular Pathology Research Laboratory, SA Pathology
Classification: Pathogenic for GATA2 deficiency with susceptibility to MDS/AML; Deafness-lymphedema-leukemia syndrome. Last evaluated: 2021-07-06. Review status: criteria provided, single submitter. Criteria: ACMG Guidelines, 2015. Collection method: curation. Allele origin: unknown. Inheritance: Autosomal dominant inheritance. Affected: yes. Observed: 1 variant allele.
Comment: PVS1, PS4_Supporting, PM2

Literature cited by the submitters: PubMed 29724903.

NM_032638.5(GATA2):c.353del (p.Val118fs)

Gene: GATA2 (GATA binding protein 2; minus strand). Cytogenetic location: 3q21.3.
Variant type: Deletion.
Coding change: c.353del on transcript NM_032638.5 (MANE Select); coding-DNA position 353, one base deleted (T; older notation c.353delT).
Protein change: p.Val118fs; shifts the reading frame from valine 118.
Molecular consequence: frameshift variant.
Genome position (GRCh38, 1-based): chr3:128,486,245, A deleted on the plus strand (T on the coding strand, the reverse complement: GATA2 is on the minus strand). VCF-style (leftmost placement, unchanged base first): chr3-128486244-CA-C. GRCh37 (hg19) VCF-style: chr3-128205087-CA-C.
Other names: c.353del, p.Val118fs (NM_001145661.2, NM_001145662.1); short protein forms V118fs.
Identifiers: ClinVar variation 1184203 (VCV001184203.1), dbSNP rs2107672783, ClinGen allele CA1139768477.